The following is an entry in ClinVar:

NM_001844.5(COL2A1):c.1467C>T (p.Gly489=)

Gene: COL2A1 (collagen type II alpha 1 chain; minus strand). Cytogenetic location: 12q13.11.
Variant type: single nucleotide variant.
Coding change: c.1467C>T on transcript NM_001844.5 (MANE Select); coding-DNA position 1467, C replaced by T.
Protein change: p.Gly489=; no amino-acid change (glycine 489 retained).
Molecular consequence: synonymous variant.
Genome position (GRCh38, 1-based): chr12:47,986,396, G>A on the plus strand (C>T on the coding strand, the complement: COL2A1 is on the minus strand). VCF-style: chr12-47986396-G-A. GRCh37 (hg19) VCF-style: chr12-48380179-G-A.
Other names: c.1260C>T, p.Gly420= (NM_033150.3).
Identifiers: ClinVar variation 1485607 (VCV001485607.1), dbSNP rs2136571245, ClinGen allele CA479471416.

ClinVar aggregate classification (germline): Likely pathogenic (1 of 4 stars; one submission).

gnomAD v4.1: 1 of 1,568,394 alleles (0.000064%); highest among the groups gnomAD compares: South Asian, 0.0012%; no homozygotes.

Submission:

Labcorp Genetics (formerly Invitae), Labcorp
Classification: Likely pathogenic. Last evaluated: 2021-10-24. Review status: criteria provided, single submitter. Criteria: Invitae Variant Classification Sherloc (09022015). Collection method: clinical testing. Allele origin: germline.
Comment: This sequence change affects codon 489 of the COL2A1 mRNA. It is a 'silent' change, meaning that it does not change the encoded amino acid sequence of the COL2A1 protein. This variant is not present in population databases (ExAC no frequency). This variant has been observed in individual(s) with Stickler syndrome (Invitae). In at least one individual the variant was observed to be de novo. Algorithms developed to predict the effect of sequence changes on RNA splicing suggest that this variant may create or strengthen a splice site. In summary, the currently available evidence indicates that the variant is pathogenic, but additional data are needed to prove that conclusively. Therefore, this variant has been classified as Likely Pathogenic.